The following is an entry in ClinVar:

NM_020940.4(FHIP2A):c.355C>T (p.Arg119Trp)

Gene: FHIP2A (FHF complex subunit HOOK interacting protein 2A; plus strand). Cytogenetic location: 10q25.3.
Variant type: single nucleotide variant.
Coding change: c.355C>T on transcript NM_020940.4 (MANE Select); coding-DNA position 355, C replaced by T.
Protein change: p.Arg119Trp; replaces arginine 119 with tryptophan.
Molecular consequence: missense variant.
Genome position (GRCh38, 1-based): chr10:114,835,597, C>T. VCF-style: chr10-114835597-C-T. GRCh37 (hg19) VCF-style: chr10-116595356-C-T.
Other names: c.355C>T (NM_020940.3); c.355C>T, p.Arg119Trp (NM_001135051.2); short protein forms R119W.
Identifiers: ClinVar variation 2640866 (VCV002640866.25), dbSNP rs754216183, ClinGen allele CA5703032.

ClinVar aggregate classification (germline): Conflicting classifications of pathogenicity. Review status: criteria provided, conflicting classifications (1 of 4 stars). 2 submissions from 2 submitters: Uncertain significance (1); Likely benign (1). Last evaluated 2024-02-27.

gnomAD v4.1: 48 of 1,612,810 alleles (0.003%); highest among the groups gnomAD compares: Middle Eastern, 0.21%; no homozygotes.

Submissions (2):

Ambry Genetics
Classification: Uncertain significance. Last evaluated: 2024-02-27. Review status: criteria provided, single submitter. Criteria: Ambry Variant Classification Scheme 2023. Collection method: clinical testing. Allele origin: germline.

CeGaT Center for Human Genetics Tuebingen
Classification: Likely benign. Last evaluated: 2022-09-01. Review status: criteria provided, single submitter. Criteria: CeGaT Center For Human Genetics Tuebingen Variant Classification Criteria Version 2. Collection method: clinical testing. Allele origin: germline. Affected: yes. Observed: 1 variant allele.
Comment: FHIP2A: BP4